The following is an entry in ClinVar:

ClinVar aggregate classification (germline): Uncertain significance (1 of 4 stars; one submission).

Submission:

GeneDx
Classification: Uncertain significance. Last evaluated: 2024-06-24. Review status: criteria provided, single submitter. Criteria: GeneDx Variant Classification Process June 2021. Collection method: clinical testing. Allele origin: germline. Affected: yes.
Comment: Not observed at significant frequency in large population cohorts (gnomAD); In silico analysis supports that this missense variant has a deleterious effect on protein structure/function; Has not been previously published as pathogenic or benign to our knowledge

NM_004230.4(S1PR2):c.643G>A (p.Val215Met)

Gene: S1PR2 (sphingosine-1-phosphate receptor 2; minus strand). Cytogenetic location: 19p13.2.
Variant type: single nucleotide variant.
Coding change: c.643G>A on transcript NM_004230.4 (MANE Select); coding-DNA position 643, G replaced by A.
Protein change: p.Val215Met; replaces valine 215 with methionine.
Molecular consequence: missense variant.
Genome position (GRCh38, 1-based): chr19:10,224,263, C>T on the plus strand (G>A on the coding strand, the complement: S1PR2 is on the minus strand). VCF-style: chr19-10224263-C-T. GRCh37 (hg19) VCF-style: chr19-10334939-C-T.
Other names: short protein forms V215M.
Identifiers: ClinVar variation 3392727 (VCV003392727.1).
Genomic context (GRCh38, chr19:10,224,263, plus strand): 5'-CCGTCTTGAGCAGGGCTAGCGTCTGCGGGGCGGCCATGTCAGCGTGGCTTGAGCGGACCA[C>T]GCAGTAGATGCGCACGTACAGGGCCACGATGGCCAACAGGATGATGGAGAAGATGGTCAC-3'
Protein context (NP_004221.3, residues 205-225): IVALYVRIYC[Val215Met]VRSSHADMAA